The following is an entry in ClinVar:

NM_015272.5(RPGRIP1L):c.1061A>G (p.Glu354Gly)

Gene: RPGRIP1L (RPGRIP1 like; minus strand). Cytogenetic location: 16q12.2.
Variant type: single nucleotide variant.
Coding change: c.1061A>G on transcript NM_015272.5 (MANE Select); coding-DNA position 1061, A replaced by G.
Protein change: p.Glu354Gly; replaces glutamic acid 354 with glycine.
Molecular consequence: missense variant.
Genome position (GRCh38, 1-based): chr16:53,671,552, T>C on the plus strand (A>G on the coding strand, the complement: RPGRIP1L is on the minus strand). VCF-style: chr16-53671552-T-C. GRCh37 (hg19) VCF-style: chr16-53705464-T-C.
Other names: c.1061A>G (NM_015272.4); c.1061A>G, p.Glu354Gly (NM_001127897.4, NM_001308334.3, NM_001330538.2); short protein forms E354G.
Identifiers: ClinVar variation 450277 (VCV000450277.14), dbSNP rs752128105, ClinGen allele CA8057936.

ClinVar aggregate classification (germline): Uncertain significance. Review status: criteria provided, multiple submitters, no conflicts (2 of 4 stars). 5 submissions from 5 submitters: Uncertain significance (3). 2 of the submissions do not count toward it. Last evaluated 2024-06-20.

Conditions:
Joubert syndrome 7 (JBTS7). Identifiers: Orphanet 220497, MedGen C1969053, MONDO:0012694, OMIM 611560.
COACH syndrome 3. Identifiers: MedGen C5436841, MONDO:0030862, OMIM 619113.
Meckel syndrome, type 5 (MKS5). Identifiers: Orphanet 564, MedGen C1969052, MONDO:0012695, OMIM 611561.
RPGRIP1L-related disorder. Also called: RPGRIP1L-related condition; RPGRIP1L-related disorders. Identifiers: MedGen CN239416.
Meckel-Gruber syndrome. Also called: Dysencephalia splachnocystica; DYSENCEPHALIA SPLANCHNOCYSTICA; GRUBER SYNDROME. Identifiers: Orphanet 564, MedGen C0265215, MONDO:0018921.
Joubert syndrome. Also called: Familial aplasia of the vermis; JOUBERT-BOLTSHAUSER SYNDROME. Identifiers: Orphanet 475, MedGen C5979921, MONDO:0018772.

Allele frequency attached by ClinVar (database versions not stated): gnomAD exomes below 0.00001; ExAC 0.00001; gnomAD 0.00003 and 0.00004; TOPMed 0.00003.
gnomAD v4.1: 9 of 1,571,500 alleles (0.00057%); highest among the groups gnomAD compares: African/African-American, 0.012%; no homozygotes.

Submissions (5):

Fulgent Genetics
Classification: Uncertain significance for Joubert syndrome 7; Meckel syndrome, type 5; COACH syndrome 3. Last evaluated: 2024-06-20. Review status: criteria provided, single submitter. Criteria: ACMG Guidelines, 2015. Collection method: clinical testing. Allele origin: germline.

Labcorp Genetics (formerly Invitae), Labcorp
Classification: Uncertain significance for Joubert syndrome; Meckel-Gruber syndrome. Last evaluated: 2021-09-01. Review status: criteria provided, single submitter. Criteria: Invitae Variant Classification Sherloc (09022015). Collection method: clinical testing. Allele origin: germline.
Comment: This sequence change replaces glutamic acid with glycine at codon 354 of the RPGRIP1L protein (p.Glu354Gly). The glutamic acid residue is highly conserved and there is a moderate physicochemical difference between glutamic acid and glycine. This variant is present in population databases (rs752128105, ExAC 0.01%). This variant has not been reported in the literature in individuals affected with RPGRIP1L-related conditions. ClinVar contains an entry for this variant (Variation ID: 450277). Algorithms developed to predict the effect of missense changes on protein structure and function (SIFT, PolyPhen-2, Align-GVGD) all suggest that this variant is likely to be disruptive. In summary, the available evidence is currently insufficient to determine the role of this variant in disease. Therefore, it has been classified as a Variant of Uncertain Significance.

GeneDx
Classification: Uncertain significance. Last evaluated: 2017-07-03. Review status: criteria provided, single submitter. Criteria: GeneDx Variant Classification (06012015). Collection method: clinical testing. Allele origin: germline. Affected: yes.
Comment: A variant of uncertain significance has been identified in the RPGRIP1L gene. The E354G variant has not been published as a pathogenic variant, nor has it been reported as a benign variant to our knowledge. The E354G variant is not observed at a significant frequency in large population cohorts (Lek et al., 2016; 1000 Genomes Consortium et al., 2015; Exome Variant Server). The E354G variant is a non-conservative amino acid substitution, which is likely to impact secondary protein structure as these residues differ in polarity, charge, size and/or other properties. This substitution occurs at a position that is conserved across species and in silico analysis predicts this variant is probably damaging to the protein structure/function. However, missense variants in nearby residues have not been reported in Human Gene Mutation Database in association with RPGRIP1L-related disorders (Stenson et al., 2014). Therefore, based on the currently available information, it is unclear whether this variant is a pathogenic variant or a rare benign variant.

PreventionGenetics, part of Exact Sciences
Classification: Uncertain significance for RPGRIP1L-related condition. Last evaluated: 2024-07-15. Review status: no assertion criteria provided. Collection method: clinical testing. Allele origin: germline. Not counted in ClinVar's aggregate classification.
Comment: The RPGRIP1L c.1061A>G variant is predicted to result in the amino acid substitution p.Glu354Gly. To our knowledge, this variant has not been reported in the literature. This variant is reported in 0.0081% of alleles in individuals of African descent in gnomAD. At this time, the clinical significance of this variant is uncertain due to the absence of conclusive functional and genetic evidence.

Natera, Inc.
Classification: Uncertain significance for Joubert syndrome. Last evaluated: 2020-03-13. Review status: no assertion criteria provided. Collection method: clinical testing. Allele origin: germline. Not counted in ClinVar's aggregate classification.